The following is an entry in ClinVar:

NM_018834.6(MATR3):c.379C>T (p.Arg127Cys)

Gene: MATR3 (matrin 3; plus strand). Cytogenetic location: 5q31.2.
Variant type: single nucleotide variant.
Coding change: c.379C>T on transcript NM_018834.6 (MANE Select); coding-DNA position 379, C replaced by T.
Protein change: p.Arg127Cys; replaces arginine 127 with cysteine.
Molecular consequence: missense variant. On other transcripts: intron variant (2).
Genome position (GRCh38, 1-based): chr5:139,307,794, C>T. VCF-style: chr5-139307794-C-T. GRCh37 (hg19) VCF-style: chr5-138643483-C-T.
Other names: c.379C>T, p.Arg127Cys (NM_001194954.2, NM_001194955.2, NM_199189.3); c.-102-6881C>T (NM_001282278.2); c.49-6881C>T (NM_001194956.2); c.379C>T (NM_199189.2); short protein forms R127C.
Identifiers: ClinVar variation 1400201 (VCV001400201.7), dbSNP rs768516057, ClinGen allele CA3432900.

ClinVar aggregate classification (germline): Uncertain significance. Review status: criteria provided, multiple submitters, no conflicts (2 of 4 stars). 2 submissions from 2 submitters: Uncertain significance (2). Last evaluated 2025-09-30.

Conditions:
Inborn genetic diseases. Identifiers: MedGen C0950123, MeSH D030342.
Amyotrophic lateral sclerosis type 21. Also called: VOCAL CORD AND PHARYNGEAL DYSFUNCTION WITH DISTAL MYOPATHY; MYOPATHY, DISTAL, 2. Identifiers: Orphanet 600, Orphanet 803, MedGen C3807521, MONDO:0011632, OMIM 606070.

Allele frequency attached by ClinVar (database versions not stated): gnomAD exomes below 0.00001 and 0.00001; ExAC 0.00001; gnomAD 0.00003; TOPMed 0.00003.

Submissions (2):

Labcorp Genetics (formerly Invitae), Labcorp
Classification: Uncertain significance for Amyotrophic lateral sclerosis type 21. Last evaluated: 2025-09-30. Review status: criteria provided, single submitter. Criteria: Invitae Variant Classification Sherloc (09022015). Collection method: clinical testing. Allele origin: germline.
Comment: This sequence change replaces arginine, which is basic and polar, with cysteine, which is neutral and slightly polar, at codon 127 of the MATR3 protein (p.Arg127Cys). This variant is present in population databases (rs768516057, gnomAD 0.002%). This variant has not been reported in the literature in individuals affected with MATR3-related conditions. ClinVar contains an entry for this variant (Variation ID: 1400201). Invitae Evidence Modeling of protein sequence and biophysical properties (such as structural, functional, and spatial information, amino acid conservation, physicochemical variation, residue mobility, and thermodynamic stability) indicates that this missense variant is expected to disrupt MATR3 protein function with a positive predictive value of 80%. In summary, the available evidence is currently insufficient to determine the role of this variant in disease. Therefore, it has been classified as a Variant of Uncertain Significance.

Ambry Genetics
Classification: Uncertain significance for Inborn genetic diseases. Last evaluated: 2023-12-15. Review status: criteria provided, single submitter. Criteria: Ambry Variant Classification Scheme 2023. Collection method: clinical testing. Allele origin: germline.